The following is an entry in ClinVar:

NM_003036.4(SKI):c.986C>T (p.Pro329Leu)

Gene: SKI (SKI proto-oncogene; plus strand). Cytogenetic location: 1p36.32.
Variant type: single nucleotide variant.
Coding change: c.986C>T on transcript NM_003036.4 (MANE Select); coding-DNA position 986, C replaced by T.
Protein change: p.Pro329Leu; replaces proline 329 with leucine.
Molecular consequence: missense variant.
Genome position (GRCh38, 1-based): chr1:2,302,994, C>T. VCF-style: chr1-2302994-C-T. GRCh37 (hg19) VCF-style: chr1-2234433-C-T.
Other names: short protein forms P329L.
Identifiers: ClinVar variation 567667 (VCV000567667.30), dbSNP rs1407167491, ClinGen allele CA337953827.
Genomic context (GRCh38, chr1:2,302,994, plus strand): 5'-CCCTGGGAACCACAGGTGCCAACAAAACCTTTCATTGATCGCAGGTCTCCTCTGAGCCTC[C>T]GGCCTCCATAAGACCCAAAACAGATGACACCTCTTCCCAGTCCCCCGCGCCTTCCGAAAA-3'
Protein context (NP_003027.1, residues 319-339): RRVPRVSSEP[Pro329Leu]ASIRPKTDDT

ClinVar aggregate classification (germline): Conflicting classifications of pathogenicity. Review status: criteria provided, conflicting classifications (1 of 4 stars). 3 submissions from 3 submitters: Uncertain significance (2); Likely benign (1). Last evaluated 2025-05-03.

Conditions:
Shprintzen-Goldberg syndrome (SGS). Also called: SHPRINTZEN-GOLDBERG CRANIOSYNOSTOSIS SYNDROME; CRANIOSYNOSTOSIS WITH ARACHNODACTYLY AND ABDOMINAL HERNIAS; Marfanoid disorder with craniosynostosis type 1; Marfanoid craniosynostosis syndrome; Shprintzen-Goldberg marfanoid syndrome. Identifiers: Orphanet 2462, MedGen C1321551, MONDO:0008426, OMIM 182212.
Familial thoracic aortic aneurysm and aortic dissection (TAAD). Also called: Thoracic aortic aneurysms and dissections. Identifiers: Orphanet 91387, MedGen C4707243, MONDO:0019625.

Allele frequency attached by ClinVar (database versions not stated): TOPMed below 0.00001; gnomAD exomes 0.00001.
gnomAD v4.1: 18 of 1,613,590 alleles (0.0011%); highest among the groups gnomAD compares: South Asian, 0.0022%; no homozygotes.

Submissions (3):

Ambry Genetics
Classification: Uncertain significance for Familial thoracic aortic aneurysm and aortic dissection. Last evaluated: 2025-05-03. Review status: criteria provided, single submitter. Criteria: Ambry Variant Classification Scheme 2023. Collection method: clinical testing. Allele origin: germline.
Comment: The p.P329L variant (also known as c.986C>T), located in coding exon 2 of the SKI gene, results from a C to T substitution at nucleotide position 986. The proline at codon 329 is replaced by leucine, an amino acid with similar properties. This amino acid position is conserved. In addition, the in silico prediction for this alteration is inconclusive. Based on the available evidence, the clinical significance of this variant remains unclear.

CeGaT Center for Human Genetics Tuebingen
Classification: Likely benign. Last evaluated: 2024-07-01. Review status: criteria provided, single submitter. Criteria: CeGaT Center For Human Genetics Tuebingen Variant Classification Criteria Version 2. Collection method: clinical testing. Allele origin: germline. Affected: yes. Observed: 1 variant allele.
Comment: SKI: BS2

Labcorp Genetics (formerly Invitae), Labcorp
Classification: Uncertain significance for Shprintzen-Goldberg syndrome. Last evaluated: 2024-01-25. Review status: criteria provided, single submitter. Criteria: Invitae Variant Classification Sherloc (09022015). Collection method: clinical testing. Allele origin: germline.
Comment: This sequence change replaces proline, which is neutral and non-polar, with leucine, which is neutral and non-polar, at codon 329 of the SKI protein (p.Pro329Leu). This variant is present in population databases (no rsID available, gnomAD 0.009%). This variant has not been reported in the literature in individuals affected with SKI-related conditions. ClinVar contains an entry for this variant (Variation ID: 567667). Advanced modeling of protein sequence and biophysical properties (such as structural, functional, and spatial information, amino acid conservation, physicochemical variation, residue mobility, and thermodynamic stability) has been performed at Invitae for this missense variant, however the output from this modeling did not meet the statistical confidence thresholds required to predict the impact of this variant on SKI protein function. In summary, the available evidence is currently insufficient to determine the role of this variant in disease. Therefore, it has been classified as a Variant of Uncertain Significance.